The following is an entry in ClinVar:

ClinVar aggregate classification (germline): Uncertain significance (1 of 4 stars; one submission).

Allele frequency attached by ClinVar (database versions not stated): gnomAD exomes below 0.00001; TOPMed below 0.00001.
gnomAD v4.1: 2 of 1,614,220 alleles (0.00012%); highest among the groups gnomAD compares: Middle Eastern, 0.017%; no homozygotes.

Submission:

Labcorp Genetics (formerly Invitae), Labcorp
Classification: Uncertain significance. Last evaluated: 2021-02-14. Review status: criteria provided, single submitter. Criteria: Invitae Variant Classification Sherloc (09022015). Collection method: clinical testing. Allele origin: germline.
Comment: This sequence change replaces leucine with phenylalanine at codon 607 of the TFRC protein (p.Leu607Phe). The leucine residue is highly conserved and there is a small physicochemical difference between leucine and phenylalanine. This variant is not present in population databases (ExAC no frequency). This variant has not been reported in the literature in individuals with TFRC-related conditions. Algorithms developed to predict the effect of missense changes on protein structure and function are either unavailable or do not agree on the potential impact of this missense change (SIFT: "Deleterious"; PolyPhen-2: "Possibly Damaging"; Align-GVGD: "Class C0"). In summary, the available evidence is currently insufficient to determine the role of this variant in disease. Therefore, it has been classified as a Variant of Uncertain Significance.

NM_001128148.3(TFRC):c.1821G>T (p.Leu607Phe)

Gene: TFRC (transferrin receptor; minus strand). Cytogenetic location: 3q29.
Variant type: single nucleotide variant.
Coding change: c.1821G>T on transcript NM_001128148.3 (MANE Select); coding-DNA position 1821, G replaced by T.
Protein change: p.Leu607Phe; replaces leucine 607 with phenylalanine.
Molecular consequence: missense variant.
Genome position (GRCh38, 1-based): chr3:196,055,158, C>A on the plus strand (G>T on the coding strand, the complement: TFRC is on the minus strand). VCF-style: chr3-196055158-C-A. GRCh37 (hg19) VCF-style: chr3-195782029-C-A.
Other names: c.1578G>T, p.Leu526Phe (NM_001313965.2); c.975G>T, p.Leu325Phe (NM_001313966.2); c.1821G>T, p.Leu607Phe (NM_003234.4); short protein forms L325F, L607F, L526F.
Identifiers: ClinVar variation 1510184 (VCV001510184.8), dbSNP rs1350015599, ClinGen allele CA355562758.